The following is an entry in ClinVar:

ClinVar aggregate classification (germline): Uncertain significance (1 of 4 stars; one submission).

Conditions:
Werner syndrome (WRN). Identifiers: Orphanet 902, MedGen C0043119, MONDO:0010196, OMIM 277700.

Submission:

Labcorp Genetics (formerly Invitae), Labcorp
Classification: Uncertain significance for Werner syndrome. Last evaluated: 2018-08-11. Review status: criteria provided, single submitter. Criteria: Invitae Variant Classification Sherloc (09022015). Collection method: clinical testing. Allele origin: germline.
Comment: This variant is a gross deletion of the genomic region encompassing exons 35 of the WRN gene. The 5' boundary is likely confined to intron 34. The 3' end of this event is unknown as it extends through the termination codon beyond the assayed region for this gene and may encompass additional genes. While this deletion is not anticipated to result in nonsense mediated decay, it is expected to create a truncated protein product or disrupt mRNA translation. Similar deletions have not been reported in the literature in individuals with WRN-related disease. Experimental studies and prediction algorithms are not available for this variant, and the functional significance of the deleted amino acids is currently unknown. In summary, the available evidence is currently insufficient to determine the role of this variant in disease. Therefore, it has been classified as a Variant of Uncertain Significance.

NC_000008.11:g.(?_31172985)_(31173112_?)del

Genes: WRN (WRN RecQ like helicase; plus strand), LOC126860342 (MED14-independent group 3 enhancer GRCh37_chr8:31029565-31030764; plus strand). Cytogenetic location: 8p12.
Variant type: Deletion.
Identifiers: ClinVar variation 645370 (VCV000645370.1).